The following is an entry in ClinVar:

ClinVar aggregate classification (germline): Uncertain significance. Review status: criteria provided, multiple submitters, no conflicts (2 of 4 stars). 2 submissions from 2 submitters: Uncertain significance (2). Last evaluated 2022-10-03.

Conditions:
Leber congenital amaurosis 4 (LCA4). Identifiers: MedGen C1858386, MONDO:0011458, OMIM 604393.

Allele frequency attached by ClinVar (database versions not stated): TOPMed below 0.00001; gnomAD exomes 0.00001 and 0.00002; ExAC 0.00003.
gnomAD v4.1: 20 of 1,613,962 alleles (0.0012%); highest among the groups gnomAD compares: Admixed American, 0.005%; no homozygotes.

Submissions (2):

Labcorp Genetics (formerly Invitae), Labcorp
Classification: Uncertain significance for Leber congenital amaurosis 4. Last evaluated: 2022-10-03. Review status: criteria provided, single submitter. Criteria: Invitae Variant Classification Sherloc (09022015). Collection method: clinical testing. Allele origin: germline.
Comment: This sequence change replaces arginine, which is basic and polar, with histidine, which is basic and polar, at codon 38 of the AIPL1 protein (p.Arg38His). This variant is present in population databases (rs759934433, gnomAD 0.009%). This variant has not been reported in the literature in individuals affected with AIPL1-related conditions. ClinVar contains an entry for this variant (Variation ID: 1333528). Advanced modeling of protein sequence and biophysical properties (such as structural, functional, and spatial information, amino acid conservation, physicochemical variation, residue mobility, and thermodynamic stability) performed at Invitae indicates that this missense variant is not expected to disrupt AIPL1 protein function. In summary, the available evidence is currently insufficient to determine the role of this variant in disease. Therefore, it has been classified as a Variant of Uncertain Significance.

3billion
Classification: Uncertain significance for Leber congenital amaurosis 4. Last evaluated: 2022-01-03. Review status: criteria provided, single submitter. Criteria: ACMG Guidelines, 2015. Collection method: clinical testing. Allele origin: germline. Affected: yes. Observed: 1 homozygote.
Comment: The variant is observed at an extremely low frequency in the gnomAD v2.1.1 dataset (total allele frequency: 0.000020, PM2_M). A different missense change at the same codon has been reported to be associated with AIPL1 related disorder (PMID:17964524, PM5_P). In silico tool predictions suggest damaging effect of the variant on gene or gene product (REVEL: 0.738, PP3_P). Therefore, this variant is classified as uncertain significance according to the recommendation of ACMG/AMP guideline.

Literature cited by the submitters: PubMed 17964524 (cited by 3billion).

NM_014336.5(AIPL1):c.113G>A (p.Arg38His)

Gene: AIPL1 (AIP like 1 HSP90 co-chaperone; minus strand). Cytogenetic location: 17p13.2.
Variant type: single nucleotide variant.
Coding change: c.113G>A on transcript NM_014336.5 (MANE Select); coding-DNA position 113, G replaced by A.
Protein change: p.Arg38His; replaces arginine 38 with histidine.
Molecular consequence: missense variant. On other transcripts: 5 prime UTR variant (1), intron variant (3).
Genome position (GRCh38, 1-based): chr17:6,434,082, C>T on the plus strand (G>A on the coding strand, the complement: AIPL1 is on the minus strand). VCF-style: chr17-6434082-C-T. GRCh37 (hg19) VCF-style: chr17-6337402-C-T.
Other names: c.113G>A, p.Arg38His (NM_001033054.3, NM_001285401.3, NM_001285403.4); c.-5G>A (NM_001285402.2); c.96+927G>A (NM_001033055.3); c.97-50G>A (NM_001285400.3); c.97-20G>A (NM_001285399.3); short protein forms R38H.
Identifiers: ClinVar variation 1333528 (VCV001333528.6), dbSNP rs759934433, ClinGen allele CA8328620.